The following is an entry in ClinVar:

NM_017617.5(NOTCH1):c.7208A>G (p.Gln2403Arg)

Gene: NOTCH1 (notch receptor 1; minus strand). Cytogenetic location: 9q34.3.
Variant type: single nucleotide variant.
Coding change: c.7208A>G on transcript NM_017617.5 (MANE Select); coding-DNA position 7208, A replaced by G.
Protein change: p.Gln2403Arg; replaces glutamine 2403 with arginine.
Molecular consequence: missense variant.
Genome position (GRCh38, 1-based): chr9:136,496,531, T>C on the plus strand (A>G on the coding strand, the complement: NOTCH1 is on the minus strand). VCF-style: chr9-136496531-T-C. GRCh37 (hg19) VCF-style: chr9-139390983-T-C.
Other names: short protein forms Q2403R.
Identifiers: ClinVar variation 4121669 (VCV004121669.1).
Genomic context (GRCh38, chr9:136,496,531, plus strand): 5'-GAGCTCACGCCAAGGTGCGGCTGTGGTGGTGGTGGTGGCGGCTGCAGGCTTTGCTGCTGC[T>C]GGATGTTTGCTGGCTGCAGGTTCTGCTGCTGCATCTGTAAGTTTTGTGGCTGCACCTGCT-3'
Protein context (NP_060087.3, residues 2393-2413): QQQNLQPANI[Gln2403Arg]QQQSLQPPPP

ClinVar aggregate classification (germline): Uncertain significance (1 of 4 stars; one submission).

Conditions:
Familial thoracic aortic aneurysm and aortic dissection (TAAD). Also called: Thoracic aortic aneurysms and dissections. Identifiers: Orphanet 91387, MedGen C4707243, MONDO:0019625.

gnomAD v4.1: 3 of 1,607,062 alleles (0.00019%); highest among the groups gnomAD compares: Non-Finnish European, 0.00025%; no homozygotes.

Submission:

Ambry Genetics
Classification: Uncertain significance for Familial thoracic aortic aneurysm and aortic dissection. Last evaluated: 2025-09-07. Review status: criteria provided, single submitter. Criteria: Ambry Variant Classification Scheme 2023. Collection method: clinical testing. Allele origin: germline.
Comment: The p.Q2403R variant (also known as c.7208A>G), located in coding exon 34 of the NOTCH1 gene, results from an A to G substitution at nucleotide position 7208. The glutamine at codon 2403 is replaced by arginine, an amino acid with highly similar properties. This amino acid position is conserved. In addition, this alteration is predicted to be tolerated by in silico analysis. Based on the available evidence, the clinical significance of this variant remains unclear.